The following is an entry in ClinVar:

NM_198525.3(KIF7):c.2896-14_2896-13delinsAC

Gene: KIF7 (kinesin family member 7; minus strand). Cytogenetic location: 15q26.1.
Variant type: Indel.
Coding change: c.2896-14_2896-13delinsAC on transcript NM_198525.3 (MANE Select); 14 bases into the intron before coding-DNA position 2896 through 13 bases into the intron before coding-DNA position 2896, GA replaced by AC.
Molecular consequence: intron variant.
Genome position (GRCh38, 1-based): chr15:89,631,723-89,631,724, TC replaced by GT on the plus strand (GA replaced by AC on the coding strand, the reverse complement: KIF7 is on the minus strand). VCF-style: chr15-89631723-TC-GT. GRCh37 (hg19) VCF-style: chr15-90174954-TC-GT.
Identifiers: ClinVar variation 2015984 (VCV002015984.4), dbSNP rs2505427613, ClinGen allele CA2580090218.
Genomic context (GRCh38, chr15:89,631,723, plus strand): 5'-CAGGTGCTCCAGCCGGCTGGACACTCGCACGATGTCCTCGTTGAGGGCCTGGGGGCAGAA[TC>GT]ACCAGGGATTAGAGAAGGAACAGGCACTGTCCTCACAGGGGGGACAGAAAGGGCCGGATG-3'

ClinVar aggregate classification (germline): Uncertain significance (1 of 4 stars; one submission).

Conditions:
Acrocallosal syndrome (ACLS). Also called: HALLUX DUPLICATION, POSTAXIAL POLYDACTYLY, AND ABSENCE OF CORPUS CALLOSUM; Schinzel syndrome 1; Absence of corpus callosum with unusual facial appearance, mental deficiency, duplication of the halluces and polydactyly. Identifiers: Orphanet 36, MedGen C0796147, MONDO:0008708, OMIM 200990.

Submission:

Labcorp Genetics (formerly Invitae), Labcorp
Classification: Uncertain significance for Acrocallosal syndrome. Last evaluated: 2022-07-11. Review status: criteria provided, single submitter. Criteria: Invitae Variant Classification Sherloc (09022015). Collection method: clinical testing. Allele origin: germline.
Comment: In summary, the available evidence is currently insufficient to determine the role of this variant in disease. Therefore, it has been classified as a Variant of Uncertain Significance. Experimental studies and prediction algorithms are not available or were not evaluated, and the effect of this variant on mRNA splicing is currently unknown. This variant has not been reported in the literature in individuals affected with KIF7-related conditions. Information on the frequency of this variant in the gnomAD database is not available, as this variant may be reported differently in the database. This sequence change falls in intron 14 of the KIF7 gene. It does not directly change the encoded amino acid sequence of the KIF7 protein.